The following is an entry in ClinVar:

ClinVar aggregate classification (germline): Likely benign. Review status: criteria provided, multiple submitters, no conflicts (2 of 4 stars). 2 submissions from 2 submitters: Likely benign (2). Last evaluated 2024-01-24.

Conditions:
Hereditary breast ovarian cancer syndrome. Also called: Hereditary breast and ovarian cancer; Hereditary breast and ovarian cancer syndrome (HBOC); BRCA1- and BRCA2-Associated Hereditary Breast and Ovarian Cancer; Hereditary breast and ovarian cancer syndrome; Breast and ovarian cancer; Hereditary breast and/or ovarian cancer syndrome. Identifiers: Orphanet 145, MedGen C0677776, MeSH D061325, MONDO:0003582. Disease mechanism: loss of function.
Breast-ovarian cancer, familial, susceptibility to, 1 (BROVCA1). Also called: BRCA1 Hereditary Breast and Ovarian Cancer; OVARIAN CANCER, SUSCEPTIBILITY TO. Identifiers: Orphanet 145, MedGen C2676676, MONDO:0011450, OMIM 604370. Disease mechanism: loss of function.

Submissions (2):

Labcorp Genetics (formerly Invitae), Labcorp
Classification: Likely benign for Hereditary breast ovarian cancer syndrome. Last evaluated: 2024-01-24. Review status: criteria provided, single submitter. Criteria: Invitae Variant Classification Sherloc (09022015). Collection method: clinical testing. Allele origin: germline.

All of Us Research Program, National Institutes of Health
Classification: Likely benign for Breast-ovarian cancer, familial, susceptibility to, 1. Last evaluated: 2023-08-15. Review status: criteria provided, single submitter. Criteria: ACMG Guidelines, 2015. Collection method: clinical testing. Allele origin: germline. Inheritance: Autosomal dominant inheritance. Observed: 1 variant allele, 1 heterozygote.
Comment: This study involves interpretation of variants in research participants for the purpose of population health screening. Participant phenotype was not available at the time of variant classification. Additional details can be found in publication PMID: 35346344, PMCID: PMC8962531

NM_007294.4(BRCA1):c.1293A>G (p.Leu431=)

Gene: BRCA1 (BRCA1 DNA repair associated; minus strand). Cytogenetic location: 17q21.31.
Variant type: single nucleotide variant.
Coding change: c.1293A>G on transcript NM_007294.4 (MANE Select); coding-DNA position 1293, A replaced by G.
Protein change: p.Leu431=; no amino-acid change (leucine 431 retained).
Molecular consequence: synonymous variant. On other transcripts: intron variant (137).
Genome position (GRCh38, 1-based): chr17:43,094,238, T>C on the plus strand (A>G on the coding strand, the complement: BRCA1 is on the minus strand). VCF-style: chr17-43094238-T-C. GRCh37 (hg19) VCF-style: chr17-41246255-T-C.
Other names: c.787+506A>G (NM_001408403.1, NM_001407983.1, NM_001407975.1 and 19 more transcripts); c.790+503A>G (NM_001408406.1); c.646+506A>G (NM_001408456.1, NM_001408458.1, NM_001408469.1 and 11 more transcripts); c.643+506A>G (NM_001408465.1, NM_001408463.1, NM_001408462.1 and 3 more transcripts); c.577+506A>G (NM_001408482.1, NM_001408484.1, NM_001408478.1 and 9 more transcripts); c.520+506A>G (NM_001408504.1, NM_001408503.1, NM_001408505.1); c.523+506A>G (NM_001408499.1, NM_001408498.1, NM_001408501.1 and 3 more transcripts); c.670+1608A>G (NM_001408422.1, NM_001408418.1, NM_001408423.1 and 2 more transcripts); and 40 more.
Identifiers: ClinVar variation 2711116 (VCV002711116.4), dbSNP rs2552217740, ClinGen allele CA500233441.